The following is an entry in ClinVar:

NM_016069.11(PAM16):c.13C>G (p.Leu5Val)

Genes: CORO7-PAM16 (CORO7-PAM16 readthrough; minus strand), PAM16 (presequence translocase associated motor 16; minus strand). Cytogenetic location: 16p13.3.
Variant type: single nucleotide variant.
Coding change: c.13C>G on transcript NM_016069.11 (MANE Select); coding-DNA position 13, C replaced by G.
Protein change: p.Leu5Val; replaces leucine 5 with valine.
Molecular consequence: missense variant.
Genome position (GRCh38, 1-based): chr16:4,343,282, G>C on the plus strand (C>G on the coding strand, the complement: PAM16 is on the minus strand). VCF-style: chr16-4343282-G-C. GRCh37 (hg19) VCF-style: chr16-4393283-G-C.
Other names: c.2782C>G, p.Leu928Val (NM_001201479.2); short protein forms L5V, L928V.
Identifiers: ClinVar variation 1513751 (VCV001513751.6), dbSNP rs2141144661, ClinGen allele CA394604667.
Genomic context (GRCh38, chr16:4,343,282, plus strand): 5'-GCAAGGCCCGTGCAAAGGCCCTGCCCACCACCTGCACGCCCATCACAATGATCTGGGCCA[G>C]GTACTTGGCCTGTGGGCAAAGCAGGCACCCGGTTAGCAGGCCACTCCCTGTGGGCCCACA-3'
Protein context (NP_057153.8, residues 1-15): MAKY[Leu5Val]AQIIVMGVQV

ClinVar aggregate classification (germline): Uncertain significance (1 of 4 stars; one submission).

Allele frequency attached by ClinVar (database versions not stated): gnomAD exomes below 0.00001.
gnomAD v4.1: 1 of 1,611,148 alleles (0.000062%); highest among the groups gnomAD compares: South Asian, 0.0011%; no homozygotes.

Submission:

Labcorp Genetics (formerly Invitae), Labcorp
Classification: Uncertain significance. Last evaluated: 2024-03-01. Review status: criteria provided, single submitter. Criteria: Invitae Variant Classification Sherloc (09022015). Collection method: clinical testing. Allele origin: germline.
Comment: This sequence change replaces leucine, which is neutral and non-polar, with valine, which is neutral and non-polar, at codon 5 of the PAM16 protein (p.Leu5Val). This variant is not present in population databases (gnomAD no frequency). This variant has not been reported in the literature in individuals affected with PAM16-related conditions. ClinVar contains an entry for this variant (Variation ID: 1513751). An algorithm developed to predict the effect of missense changes on protein structure and function (PolyPhen-2) suggests that this variant is likely to be disruptive. In summary, the available evidence is currently insufficient to determine the role of this variant in disease. Therefore, it has been classified as a Variant of Uncertain Significance.